The following is an entry in ClinVar:

NM_003482.4(KMT2D):c.4419-3C>T

Gene: KMT2D (lysine methyltransferase 2D; minus strand). Cytogenetic location: 12q13.12.
Variant type: single nucleotide variant.
Coding change: c.4419-3C>T on transcript NM_003482.4 (MANE Select); 3 bases into the intron before coding-DNA position 4419, C replaced by T.
Molecular consequence: intron variant.
Genome position (GRCh38, 1-based): chr12:49,046,427, G>A on the plus strand (C>T on the coding strand, the complement: KMT2D is on the minus strand). VCF-style: chr12-49046427-G-A. GRCh37 (hg19) VCF-style: chr12-49440210-G-A.
Identifiers: ClinVar variation 4798192 (VCV004798192.1).
Genomic context (GRCh38, chr12:49,046,427, plus strand): 5'-CTGCCATTCACAGTGGAAGCCAGGGGAAGCAGCCCCACACTGCATACAGGACACACACCT[G>A]ATAGGAGCAGGAAAACAGAGCTTTAGCACCCAACCTACCCGAAGTACCCAGAAGTCCCCT-3'

ClinVar aggregate classification (germline): Uncertain significance (1 of 4 stars; one submission).

Conditions:
Kabuki syndrome. Also called: NIIKAWA-KUROKI SYNDROME; Kabuki make-up syndrome. Identifiers: Orphanet 2322, MedGen C0796004, MONDO:0016512.

Submission:

Labcorp Genetics (formerly Invitae), Labcorp
Classification: Uncertain significance for Kabuki syndrome. Last evaluated: 2025-11-17. Review status: criteria provided, single submitter. Criteria: Invitae Variant Classification Sherloc (09022015). Collection method: clinical testing. Allele origin: germline.
Comment: This sequence change falls in intron 15 of the KMT2D gene. It does not directly change the encoded amino acid sequence of the KMT2D protein. It affects a nucleotide within the consensus splice site. This variant is not present in population databases (gnomAD no frequency). This variant has not been reported in the literature in individuals affected with KMT2D-related conditions. Variants that disrupt the consensus splice site are a relatively common cause of aberrant splicing (PMID: 17576681, 9536098). Algorithms developed to predict the effect of sequence changes on RNA splicing suggest that this variant is not likely to affect RNA splicing. In summary, the available evidence is currently insufficient to determine the role of this variant in disease. Therefore, it has been classified as a Variant of Uncertain Significance.

Literature cited by the submitters: PubMed 17576681; PubMed 9536098.